The following is an entry in ClinVar:

ClinVar aggregate classification (germline): Uncertain significance. Review status: criteria provided, multiple submitters, no conflicts (2 of 4 stars). 2 submissions from 2 submitters: Uncertain significance (2). Last evaluated 2025-03-31.

Conditions:
DICER1-related tumor predisposition. Also called: DICER1-related pleuropulmonary blastoma cancer predisposition syndrome; DICER1 syndrome. Identifiers: Orphanet 284343, MedGen C3839822, MONDO:0100216.
Hereditary cancer-predisposing syndrome. Also called: Neoplastic Syndromes, Hereditary; Tumor predisposition; Hereditary Cancer Syndrome; Hereditary neoplastic syndrome. Identifiers: Orphanet 140162, MedGen C0027672, MeSH D009386, MONDO:0015356.

Allele frequency attached by ClinVar (database versions not stated): gnomAD exomes below 0.00001.
gnomAD v4.1: 2 of 1,613,758 alleles (0.00012%); highest among the groups gnomAD compares: Non-Finnish European, 0.00017%; no homozygotes.

Submissions (2):

Ambry Genetics
Classification: Uncertain significance for Hereditary cancer-predisposing syndrome. Last evaluated: 2025-03-31. Review status: criteria provided, single submitter. Criteria: Ambry Variant Classification Scheme 2023. Collection method: clinical testing. Allele origin: germline.
Comment: The p.E420K variant (also known as c.1258G>A), located in coding exon 7 of the DICER1 gene, results from a G to A substitution at nucleotide position 1258. The glutamic acid at codon 420 is replaced by lysine, an amino acid with similar properties. This amino acid position is conserved. In addition, this alteration is predicted to be tolerated by in silico analysis. Based on the available evidence, the clinical significance of this variant remains unclear.

Labcorp Genetics (formerly Invitae), Labcorp
Classification: Uncertain significance for DICER1-related tumor predisposition. Last evaluated: 2024-07-01. Review status: criteria provided, single submitter. Criteria: Invitae Variant Classification Sherloc (09022015). Collection method: clinical testing. Allele origin: germline.
Comment: This sequence change replaces glutamic acid, which is acidic and polar, with lysine, which is basic and polar, at codon 420 of the DICER1 protein (p.Glu420Lys). This variant is not present in population databases (gnomAD no frequency). This variant has not been reported in the literature in individuals affected with DICER1-related conditions. ClinVar contains an entry for this variant (Variation ID: 543622). An algorithm developed to predict the effect of missense changes on protein structure and function (PolyPhen-2) suggests that this variant is likely to be disruptive. In summary, the available evidence is currently insufficient to determine the role of this variant in disease. Therefore, it has been classified as a Variant of Uncertain Significance.

NM_177438.3(DICER1):c.1258G>A (p.Glu420Lys)

Gene: DICER1 (dicer 1, ribonuclease III; minus strand). Cytogenetic location: 14q32.13.
Variant type: single nucleotide variant.
Coding change: c.1258G>A on transcript NM_177438.3 (MANE Select); coding-DNA position 1258, G replaced by A.
Protein change: p.Glu420Lys; replaces glutamic acid 420 with lysine.
Molecular consequence: missense variant.
Genome position (GRCh38, 1-based): chr14:95,124,314, C>T on the plus strand (G>A on the coding strand, the complement: DICER1 is on the minus strand). VCF-style: chr14-95124314-C-T. GRCh37 (hg19) VCF-style: chr14-95590651-C-T.
Other names: c.1258G>A, p.Glu420Lys (NM_001195573.1, NM_001271282.3, NM_001291628.2 and 1 more transcripts); short protein forms E420K.
Identifiers: ClinVar variation 543622 (VCV000543622.9), dbSNP rs1555374663, ClinGen allele CA390886465.